The following is an entry in ClinVar:

ClinVar aggregate classification (germline): Uncertain significance. Review status: criteria provided, multiple submitters, no conflicts (2 of 4 stars). 2 submissions from 2 submitters: Uncertain significance (2). Last evaluated 2026-03-06.

Conditions:
Inborn genetic diseases. Identifiers: MedGen C0950123, MeSH D030342.
EMILIN1-related disorder. Also called: EMILIN1-related condition.

gnomAD v4.1: 60 of 1,612,448 alleles (0.0037%); highest among the groups gnomAD compares: Non-Finnish European, 0.0047%; no homozygotes.

Submissions (2):

PreventionGenetics, part of Exact Sciences
Classification: Uncertain significance for EMILIN1-related condition. Last evaluated: 2026-03-06. Review status: criteria provided, single submitter. Criteria: ACMG Guidelines, 2015. Collection method: clinical testing. Allele origin: germline.
Comment: The EMILIN1 c.298C>T variant is predicted to result in the amino acid substitution p.Arg100Cys. To our knowledge, this variant has not been reported in the literature. This variant is reported in 0.0045% of alleles in individuals of European (Non-Finnish) descent in gnomAD. At this time, the clinical significance of this variant is uncertain due to the absence of conclusive functional and genetic evidence.

Ambry Genetics
Classification: Uncertain significance for Inborn genetic diseases. Last evaluated: 2025-05-20. Review status: criteria provided, single submitter. Criteria: Ambry Variant Classification Scheme 2023. Collection method: clinical testing. Allele origin: germline.

NM_007046.4(EMILIN1):c.298C>T (p.Arg100Cys)

Gene: EMILIN1 (elastin microfibril interfacer 1; plus strand). Cytogenetic location: 2p23.3.
Variant type: single nucleotide variant.
Coding change: c.298C>T on transcript NM_007046.4 (MANE Select); coding-DNA position 298, C replaced by T.
Protein change: p.Arg100Cys; replaces arginine 100 with cysteine.
Molecular consequence: missense variant.
Genome position (GRCh38, 1-based): chr2:27,080,739, C>T. VCF-style: chr2-27080739-C-T. GRCh37 (hg19) VCF-style: chr2-27303607-C-T.
Other names: short protein forms R100C.
Identifiers: ClinVar variation 4017764 (VCV004017764.2).